The following is an entry in ClinVar:

NM_000264.5(PTCH1):c.442G>A (p.Gly148Arg)

Gene: PTCH1 (patched 1; minus strand). Cytogenetic location: 9q22.32.
Variant type: single nucleotide variant.
Coding change: c.442G>A on transcript NM_000264.5 (MANE Select); coding-DNA position 442, G replaced by A.
Protein change: p.Gly148Arg; replaces glycine 148 with arginine.
Molecular consequence: missense variant. On other transcripts: 5 prime UTR variant (4), non-coding transcript variant (1).
Genome position (GRCh38, 1-based): chr9:95,485,827, C>T on the plus strand (G>A on the coding strand, the complement: PTCH1 is on the minus strand). VCF-style: chr9-95485827-C-T. GRCh37 (hg19) VCF-style: chr9-98248109-C-T.
Other names: c.244G>A, p.Gly82Arg (NM_001083602.3, NM_001354919.2); c.439G>A, p.Gly147Arg (NM_001083603.3); c.-12G>A (NM_001083604.3, NM_001083605.3, NM_001083606.3 and 1 more transcripts); c.442G>A, p.Gly148Arg (NM_001354918.2); short protein forms G147R, G148R, G82R.
Identifiers: ClinVar variation 3427308 (VCV003427308.2).
Genomic context (GRCh38, chr9:95,485,827, plus strand): 5'-TAGCACCTTCTTCTTTAGGGGTCTGTATCATGAGTTGAGGATTAAACATAGCCTCTTCTC[C>T]AATCTTCTGGCGAGTATAATTTAATTCACGACTTACTCGTCCTCCAACTGACAAATATGT-3'
Protein context (NP_000255.2, residues 138-158): RELNYTRQKI[Gly148Arg]EEAMFNPQLM

ClinVar aggregate classification (germline): Uncertain significance (1 of 4 stars; one submission).

Conditions:
Hereditary cancer-predisposing syndrome. Also called: Tumor predisposition; Hereditary Cancer Syndrome; Hereditary neoplastic syndrome; Neoplastic Syndromes, Hereditary. Identifiers: Orphanet 140162, MedGen C0027672, MeSH D009386, MONDO:0015356.

Submission:

Ambry Genetics
Classification: Uncertain significance for Hereditary cancer-predisposing syndrome. Last evaluated: 2026-07-07. Review status: criteria provided, single submitter. Criteria: Ambry Variant Classification Scheme 2023. Collection method: clinical testing. Allele origin: germline.
Comment: The p.G148R variant (also known as c.442G>A), located in coding exon 3 of the PTCH1 gene, results from a G to A substitution at nucleotide position 442. The glycine at codon 148 is replaced by arginine, an amino acid with dissimilar properties. This amino acid position is highly conserved in available vertebrate species. In addition, this alteration is predicted to be deleterious by in silico analysis. Based on the available evidence, the clinical significance of this variant remains unclear.